The following is an entry in ClinVar:

ClinVar aggregate classification (germline): Conflicting classifications of pathogenicity. Review status: criteria provided, conflicting classifications (1 of 4 stars). 6 submissions from 6 submitters: Uncertain significance (2); Benign (2); Likely benign (2). Last evaluated 2024-09-12.

Conditions:
Waardenburg syndrome type 4A (WS4A). Also called: WAARDENBURG SYNDROME WITH HIRSCHSPRUNG DISEASE, TYPE 4A. Identifiers: Orphanet 897, MedGen C1848519, MONDO:0010192, OMIM 277580.
Hirschsprung disease, susceptibility to, 2. Identifiers: Orphanet 388, MedGen C1838564, MONDO:0010833, OMIM 600155.

Allele frequency attached by ClinVar (database versions not stated): gnomAD 0.00043 and 0.00057; TOPMed 0.00045; gnomAD exomes 0.00046 and 0.00101; ExAC 0.00123; 1000 Genomes Project 30x 0.00219; 1000 Genomes Project 0.00260.
gnomAD v4.1: 743 of 1,570,668 alleles (0.047%); highest among the groups gnomAD compares: East Asian, 1.1%; 10 homozygotes.

Submissions (6):

Blueprint Genetics
Classification: Likely benign. Last evaluated: 2024-09-12. Review status: criteria provided, single submitter. Criteria: ACMG Guidelines, 2015. Collection method: clinical testing. Allele origin: germline.

GeneDx
Classification: Benign. Last evaluated: 2020-12-08. Review status: criteria provided, single submitter. Criteria: GeneDx Variant Classification Process June 2021. Collection method: clinical testing. Allele origin: germline. Affected: yes.
Comment: This variant is associated with the following publications: (PMID: 17011274, 18162831, 8852660, 21531202, 30098700)

Mendelics
Classification: Uncertain significance for Waardenburg syndrome type 4A. Last evaluated: 2019-05-28. Review status: criteria provided, single submitter. Criteria: Mendelics Assertion Criteria 2017. Collection method: clinical testing. Allele origin: unknown.

Illumina Laboratory Services, Illumina
Classification: Likely benign for Hirschsprung disease, susceptibility to, 2. Last evaluated: 2017-04-27. Review status: criteria provided, single submitter. Criteria: ICSL Variant Classification Criteria 13 December 2019. Collection method: clinical testing. Allele origin: germline.
Comment: This variant was observed as part of a predisposition screen in an ostensibly healthy population. A literature search was performed for the gene, cDNA change, and amino acid change (where applicable). Publications were found based on this search. The evidence from the literature, in combination with allele frequency data from public databases where available, was sufficient to determine this variant is unlikely to cause disease. Therefore, this variant is classified as likely benign.

Soonchunhyang University Bucheon Hospital, Soonchunhyang University Medical Center
Classification: Uncertain significance for Hirschsprung disease, susceptibility to, 2. Last evaluated: 2016-03-18. Review status: criteria provided, single submitter. Criteria: ACMG Guidelines, 2015. Collection method: reference population. Allele origin: germline. Observed: 1 variant allele.

Laboratory for Molecular Medicine, Mass General Brigham Personalized Medicine
Classification: Benign. Last evaluated: 2015-05-05. Review status: criteria provided, single submitter. Criteria: LMM Criteria. Collection method: clinical testing. Allele origin: germline. Observed: 2 variant alleles.
Comment: p.Arg82Gln in exon 2 of EDNRB: This variant is not expected to have clinical sig nificance because it has been identified in 1.2% (86/7046) of East Asian chromos omes including 1 homozygote by the Exome Aggregation Consortium (ExAC; dbSNP rs2070591).

Literature cited by the submitters: PubMed 10458491 (cited by Illumina Laboratory Services, Illumina); PubMed 14633923 (cited by Illumina Laboratory Services, Illumina); PubMed 10664228 (cited by Illumina Laboratory Services, Illumina); PubMed 17011274 (cited by Illumina Laboratory Services, Illumina); PubMed 18162831 (cited by Illumina Laboratory Services, Illumina); PubMed 8852660 (cited by Illumina Laboratory Services, Illumina and Soonchunhyang University Bucheon Hospital, Soonchunhyang University Medical Center).

NM_001122659.3(EDNRB):c.-26G>A

Gene: EDNRB (endothelin receptor type B; minus strand). Cytogenetic location: 13q22.3.
Variant type: single nucleotide variant.
Coding change: c.-26G>A on transcript NM_001122659.3 (MANE Select); 26 bases upstream of the start codon, G replaced by A.
Molecular consequence: 5 prime UTR variant. On other transcripts: missense variant (1).
Genome position (GRCh38, 1-based): chr13:77,918,599, C>T on the plus strand (G>A on the coding strand, the complement: EDNRB is on the minus strand). VCF-style: chr13-77918599-C-T. GRCh37 (hg19) VCF-style: chr13-78492734-C-T.
Other names: c.-26G>A (NM_000115.5, NM_003991.4); c.245G>A, p.Arg82Gln (NM_001201397.2); short protein forms R82Q.
Identifiers: ClinVar variation 225346 (VCV000225346.12), dbSNP rs2070591, ClinGen allele CA7012417.
Genomic context (GRCh38, chr13:77,918,599, plus strand): 5'-AGGGCGCGTCCGCACAGACTTGGAGGCGGCTGCATGCTGCTACCTGCTCCAGAAGGCGTC[C>T]GGTGGCCGCTCCGCAGTTTCAGAGCCTAGAGACAAGCAGAGGAAGGAAGACAGGACACTT-3'